The following is an entry in ClinVar:

ClinVar aggregate classification (germline): Pathogenic (1 of 4 stars; one submission).

Conditions:
Familial cancer of breast. Also called: Hereditary breast cancer; BREAST CANCER, FAMILIAL; hereditary breast carcinoma. Identifiers: Orphanet 227535, MedGen C0346153, MONDO:0016419, OMIM 114480. Disease mechanism: loss of function.

Submission:

Labcorp Genetics (formerly Invitae), Labcorp
Classification: Pathogenic for Familial cancer of breast. Last evaluated: 2022-03-08. Review status: criteria provided, single submitter. Criteria: Invitae Variant Classification Sherloc (09022015). Collection method: clinical testing. Allele origin: germline.
Comment: For these reasons, this variant has been classified as Pathogenic. This variant has not been reported in the literature in individuals affected with PALB2-related conditions. This variant is not present in population databases (gnomAD no frequency). This sequence change creates a premature translational stop signal (p.His526Ilefs*35) in the PALB2 gene. It is expected to result in an absent or disrupted protein product. Loss-of-function variants in PALB2 are known to be pathogenic (PMID: 17200668, 17200671, 17200672, 24136930, 25099575).

Literature cited by the submitters: PubMed 17200668; PubMed 17200671; PubMed 17200672; PubMed 24136930; PubMed 25099575.

NM_024675.4(PALB2):c.1575del (p.His526fs)

Gene: PALB2 (partner and localizer of BRCA2; minus strand). Cytogenetic location: 16p12.2.
Variant type: Deletion.
Coding change: c.1575del on transcript NM_024675.4 (MANE Select); coding-DNA position 1575, one base deleted (T; older notation c.1575delT).
Protein change: p.His526fs; shifts the reading frame from histidine 526.
Molecular consequence: frameshift variant.
Genome position (GRCh38, 1-based): chr16:23,634,971, A deleted on the plus strand (T on the coding strand, the reverse complement: PALB2 is on the minus strand). VCF-style (leftmost placement, unchanged base first): chr16-23634970-GA-G. GRCh37 (hg19) VCF-style: chr16-23646291-GA-G.
Other names: short protein forms H526fs.
Identifiers: ClinVar variation 1425255 (VCV001425255.7), dbSNP rs2142412137, ClinGen allele CA2573152167.